The following is an entry in ClinVar:

ClinVar aggregate classification (germline): Conflicting classifications of pathogenicity. Review status: criteria provided, conflicting classifications (1 of 4 stars). 17 submissions from 13 submitters: Uncertain significance (10); Benign (2); Likely benign (2). 3 of the submissions do not count toward it. Last evaluated 2026-07-20.

Conditions:
TTN-related disorder. Also called: TTN-related disorders; TTN-related condition; TTN-related disease.
Cardiovascular phenotype. Identifiers: MedGen CN230736.
Dilated cardiomyopathy 1G (CMD1G). Identifiers: Orphanet 154, MedGen C1858763, MONDO:0011400, OMIM 604145.
Autosomal recessive limb-girdle muscular dystrophy type 2J (LGMDR10). Also called: Limb-girdle muscular dystrophy, type 2J; MUSCULAR DYSTROPHY, LIMB-GIRDLE, AUTOSOMAL RECESSIVE 10. Identifiers: Orphanet 140922, MedGen C1837342, MONDO:0012127, OMIM 608807.
Myopathy, myofibrillar, 9, with early respiratory failure (MFM9). Also called: Myopathy, distal, with early respiratory failure, autosomal dominant; MYOPATHY, PROXIMAL, WITH EARLY RESPIRATORY MUSCLE INVOLVEMENT; Hereditary myopathy with early respiratory failure; EDSTROM MYOPATHY. Identifiers: Orphanet 178464, Orphanet 34521, MedGen C1863599, MONDO:0011362, OMIM 603689.
Tibial muscular dystrophy (TMD). Also called: Tibial muscular dystrophy, tardive; Udd Distal Myopathy – Tibial Muscular Dystrophy; UDD MYOPATHY. Identifiers: Orphanet 609, MedGen C1838244, MONDO:0010870, OMIM 600334.
Early-onset myopathy with fatal cardiomyopathy (CMYO5). Also called: CONGENITAL MYOPATHY 5 WITH CARDIOMYOPATHY; Salih Myopathy. Identifiers: Orphanet 289377, MedGen C2673677, MONDO:0012714, OMIM 611705. Disease mechanism: loss of function.

Allele frequency attached by ClinVar (database versions not stated): ESP Exome Variant Server 0.00008; gnomAD 0.00009 and 0.00011; TOPMed 0.00011; ExAC 0.00012; 1000 Genomes Project 0.00020; 1000 Genomes Project 30x 0.00031.
gnomAD v4.1: 206 of 1,600,314 alleles (0.013%); highest among the groups gnomAD compares: Admixed American, 0.024%; no homozygotes.

Submissions (17):

PreventionGenetics, part of Exact Sciences
Classification: Uncertain significance for TTN-related condition. Last evaluated: 2026-07-20. Review status: criteria provided, single submitter. Criteria: ACMG Guidelines, 2015. Collection method: clinical testing. Allele origin: germline.
Comment: The TTN c.97198C>A variant is predicted to result in the amino acid substitution p.Pro32400Thr. This variant is alternatively referred to as c.89494C>A (p.Pro29832Thr) in the transcript NM_133378. This variant has been reported in two cases of sudden unexplained death (Campuzano et al. 2014. PubMed ID: 25447171; Sanchez et al. 2016. PubMed ID: 27930701); however, a more recent study suggested that this variant is less likely to be disease causing based on updated population frequencies (Martinez-Barrios et al. 2023. PubMed ID: 36693943). This variant is reported in 0.018% of alleles in individuals of European (Non-Finnish) descent in gnomAD. Although we suspect that this variant may be benign, at this time, the clinical significance of this variant is uncertain due to the absence of conclusive functional and genetic evidence.

Molecular Diagnostic Laboratory for Inherited Cardiovascular Disease, Montreal Heart Institute
Classification: Likely benign. Last evaluated: 2025-04-09. Review status: criteria provided, single submitter. Criteria: ACMG Guidelines, 2015. Collection method: clinical testing. Allele origin: germline. Affected: no.
Comment: BS1;BP1

Revvity Omics, Revvity
Classification: Uncertain significance. Last evaluated: 2024-12-10. Review status: criteria provided, single submitter. Criteria: ACMG Guidelines, 2015. Collection method: clinical testing. Allele origin: germline.

Ambry Genetics
Classification: Likely benign for Cardiovascular phenotype. Last evaluated: 2024-09-25. Review status: criteria provided, single submitter. Criteria: Ambry Variant Classification Scheme 2023. Collection method: clinical testing. Allele origin: germline.

Women's Health and Genetics/Laboratory Corporation of America, LabCorp
Classification: Uncertain significance. Last evaluated: 2024-02-05. Review status: criteria provided, single submitter. Criteria: LabCorp Variant Classification Summary - May 2015. Collection method: clinical testing. Allele origin: germline.
Comment: Variant summary: TTN c.89494C>A (p.Pro29832Thr) results in a non-conservative amino acid change located in the A-band region of the encoded protein sequence. Five of five in-silico tools predict a damaging effect of the variant on protein function. The variant allele was found at a frequency of 0.00012 in 242672 control chromosomes (gnomAD). This frequency is not significantly higher than estimated for a pathogenic variant in TTN causing Dilated Cardiomyopathy (0.00012 vs 0.00039), allowing no conclusion about variant significance. c.89494C>A has been reported in the literature in individuals affected with sudden cardiac death or sudden unexplained death with other co-occurring variants (Campuzano_2014, Sanchez_2016, Martinez_2023). These reports do not provide unequivocal conclusions about association of the variant with Dilated Cardiomyopathy. To our knowledge, no experimental evidence demonstrating an impact on protein function has been reported. The following publications have been ascertained in the context of this evaluation (PMID: 25447171, 36693943, 27930701). ClinVar contains an entry for this variant (Variation ID: 229551). Based on the evidence outlined above, the variant was classified as uncertain significance.

Mayo Clinic Laboratories, Mayo Clinic
Classification: Uncertain significance. Last evaluated: 2021-04-05. Review status: criteria provided, single submitter. Criteria: ACMG Guidelines, 2015. Collection method: clinical testing. Allele origin: germline.

GeneDx
Classification: Uncertain significance. Last evaluated: 2018-06-01. Review status: criteria provided, single submitter. Criteria: GeneDx Variant Classification (06012015). Collection method: clinical testing. Allele origin: germline. Affected: yes.
Comment: A variant of uncertain significance has been identified in the TTN gene. The P30759T variant (reported as P29832T due to the use of alternate nomenclature) has been published two patients with sudden unexplained death (SUD), however, both of these patients harbored additional cardiogenetic variants (Campuzano et al., 2014; Sanchez et al., 2016). The P30759T variant is not observed at a significant frequency in large population cohorts (Lek et al., 2016; 1000 Genomes Consortium et al., 2015; Exome Variant Server). The P30759T variant is a non-conservative amino acid substitution, which is likely to impact secondary protein structure as these residues differ in polarity, charge, size and/or other properties. This substitution occurs at a position that is conserved across species, and in silico analysis predicts this variant is probably damaging to the protein structure/function. However, this is a missense variant in a gene in which most reported pathogenic variants associated with cardiomyopathy are truncating/loss-of-function (Stenson et al., 2014).

Labcorp Genetics (formerly Invitae), Labcorp
Classification: Uncertain significance for Dilated cardiomyopathy 1G; Autosomal recessive limb-girdle muscular dystrophy type 2J. Last evaluated: 2017-12-28. Review status: criteria provided, single submitter. Criteria: Invitae Variant Classification Sherloc (09022015). Collection method: clinical testing. Allele origin: germline.

Illumina Laboratory Services, Illumina
Classification: Benign for Myopathy, myofibrillar, 9, with early respiratory failure. Last evaluated: 2017-04-28. Review status: criteria provided, single submitter. Criteria: ICSL Variant Classification Criteria 13 December 2019. Collection method: clinical testing. Allele origin: germline.
Comment: This variant was observed as part of a predisposition screen in an ostensibly healthy population. A literature search was performed for the gene, cDNA change, and amino acid change (where applicable). No publications were found based on this search. Allele frequency data from public databases was too high to be consistent with this variant causing disease. Therefore, this variant is classified as benign.

Illumina Laboratory Services, Illumina
Classification: Uncertain significance for Early-onset myopathy with fatal cardiomyopathy. Last evaluated: 2017-04-28. Review status: criteria provided, single submitter. Criteria: ICSL Variant Classification Criteria 13 December 2019. Collection method: clinical testing. Allele origin: germline.

Illumina Laboratory Services, Illumina
Classification: Uncertain significance for Autosomal recessive limb-girdle muscular dystrophy type 2J. Last evaluated: 2017-04-28. Review status: criteria provided, single submitter. Criteria: ICSL Variant Classification Criteria 13 December 2019. Collection method: clinical testing. Allele origin: germline.

Illumina Laboratory Services, Illumina
Classification: Uncertain significance for Dilated cardiomyopathy 1G. Last evaluated: 2017-04-28. Review status: criteria provided, single submitter. Criteria: ICSL Variant Classification Criteria 13 December 2019. Collection method: clinical testing. Allele origin: germline.
Comment: This variant was observed as part of a predisposition screen in an ostensibly healthy population. A literature search was performed for the gene, cDNA change, and amino acid change (where applicable). Publications were found based on this search. However, the evidence from the literature, in combination with allele frequency data from public databases where available, was not sufficient to rule this variant in or out of causing disease. Therefore, this variant is classified as a variant of unknown significance.

Illumina Laboratory Services, Illumina
Classification: Benign for Tibial muscular dystrophy. Last evaluated: 2017-04-28. Review status: criteria provided, single submitter. Criteria: ICSL Variant Classification Criteria 13 December 2019. Collection method: clinical testing. Allele origin: germline.
Comment: the same text as in the submission from Illumina Laboratory Services, Illumina above.

Laboratory for Molecular Medicine, Mass General Brigham Personalized Medicine
Classification: Uncertain significance. Last evaluated: 2015-03-30. Review status: criteria provided, single submitter. Criteria: LMM Criteria. Collection method: clinical testing. Allele origin: germline. Observed: 1 variant allele.
Comment: The p.Pro29832Thr variant in TTN has not been previously reported in individuals with cardiomyopathy, but has been identified in 4/11470 of Latino chromosomes a nd 10/65646 European chromosomes by the Exome Aggregation Consortium (ExAC; dbSNP rs373876117). Computational prediction tools a nd conservation analysis do not provide strong support for or against an impact to the protein. In summary, the clinical significance of the p.Pro29832Thr varia nt is uncertain.

Clinical Genetics DNA and cytogenetics Diagnostics Lab, Erasmus MC, Erasmus Medical Center
Classification: Uncertain significance. Review status: no assertion criteria provided. Collection method: clinical testing. Allele origin: germline. Affected: yes. Study: VKGL Data-share Consensus. Not counted in ClinVar's aggregate classification.

Clinical Genetics, Academic Medical Center
Classification: Uncertain significance. Review status: no assertion criteria provided. Collection method: clinical testing. Allele origin: germline. Affected: yes. Study: VKGL Data-share Consensus. Not counted in ClinVar's aggregate classification.

Joint Genome Diagnostic Labs from Nijmegen and Maastricht, Radboudumc and MUMC+
Classification: Uncertain significance. Review status: no assertion criteria provided. Collection method: clinical testing. Allele origin: germline. Affected: yes. Study: VKGL Data-share Consensus. Not counted in ClinVar's aggregate classification.

Literature cited by the submitters: PubMed 25447171 (cited by 3 submitters); PubMed 27930701 (cited by Ambry Genetics and Women's Health and Genetics/Laboratory Corporation of America, LabCorp); PubMed 36693943 (cited by Women's Health and Genetics/Laboratory Corporation of America, LabCorp).

NM_001267550.2(TTN):c.97198C>A (p.Pro32400Thr)

Genes: TTN (titin; minus strand), TTN-AS1 (TTN antisense RNA 1; plus strand). Cytogenetic location: 2q31.2.
Variant type: single nucleotide variant.
Coding change: c.97198C>A on transcript NM_001267550.2 (MANE Select); coding-DNA position 97198, C replaced by A.
Protein change: p.Pro32400Thr; replaces proline 32400 with threonine.
Molecular consequence: missense variant.
Genome position (GRCh38, 1-based): chr2:178,542,558, G>T on the plus strand (C>A on the coding strand, the complement: TTN is on the minus strand). VCF-style: chr2-178542558-G-T. GRCh37 (hg19) VCF-style: chr2-179407285-G-T.
Other names: c.92275C>A, p.Pro30759Thr (NM_001256850.1); c.89494C>A, p.Pro29832Thr (NM_133378.4); c.70003C>A, p.Pro23335Thr (NM_003319.4); c.70378C>A, p.Pro23460Thr (NM_133432.3); c.70579C>A, p.Pro23527Thr (NM_133437.4); short protein forms P29832T, P32400T, P30759T, P23460T, P23527T, P23335T.
Identifiers: ClinVar variation 229551 (VCV000229551.32), dbSNP rs373876117, ClinGen allele CA1986597.